The following is an entry in ClinVar:

NM_000719.7(CACNA1C):c.4973T>G (p.Leu1658Arg)

Genes: CACNA1C (calcium voltage-gated channel subunit alpha1 C; plus strand), CACNA1C-AS1 (CACNA1C antisense RNA 1; minus strand). Cytogenetic location: 12p13.33.
Variant type: single nucleotide variant.
Coding change: c.4973T>G on transcript NM_000719.7 (MANE Select); coding-DNA position 4973, T replaced by G.
Protein change: p.Leu1658Arg; replaces leucine 1658 with arginine.
Molecular consequence: missense variant. On other transcripts: non-coding transcript variant (1).
Genome position (GRCh38, 1-based): chr12:2,677,749, T>G. VCF-style: chr12-2677749-T-G. GRCh37 (hg19) VCF-style: chr12-2786915-T-G.
Other names: c.5117T>G, p.Leu1706Arg (NM_001129827.2, NM_199460.4); c.5096T>G, p.Leu1699Arg (NM_001129829.2); c.4973T>G, p.Leu1658Arg (NM_001129830.3, NM_001129840.2, NM_001129841.2 and 4 more transcripts); c.5057T>G, p.Leu1686Arg (NM_001129831.2); c.5033T>G, p.Leu1678Arg (NM_001129832.2); c.5030T>G, p.Leu1677Arg (NM_001129833.2, NM_001129834.2, NM_001129835.2); c.5024T>G, p.Leu1675Arg (NM_001129836.2); c.4997T>G, p.Leu1666Arg (NM_001129837.2, NM_001129838.2); and 3 more; short protein forms L1678R, L1699R, L1655R, L1666R, L1686R, L1647R, L1658R, L1664R.
Identifiers: ClinVar variation 3693582 (VCV003693582.2).

ClinVar aggregate classification (germline): Uncertain significance (1 of 4 stars; one submission).

Conditions:
Long QT syndrome (LQTS). Identifiers: MedGen C0023976, MeSH D008133, MONDO:0002442. Disease mechanism: loss of function. Inheritance: Various modes of inheritance.

gnomAD v4.1: 1 of 1,613,556 alleles (0.000062%); highest among the groups gnomAD compares: Non-Finnish European, 0.000085%; no homozygotes.

Submission:

Labcorp Genetics (formerly Invitae), Labcorp
Classification: Uncertain significance for Long QT syndrome. Last evaluated: 2024-04-24. Review status: criteria provided, single submitter. Criteria: Invitae Variant Classification Sherloc (09022015). Collection method: clinical testing. Allele origin: germline.
Comment: This sequence change replaces leucine, which is neutral and non-polar, with arginine, which is basic and polar, at codon 1658 of the CACNA1C protein (p.Leu1658Arg). This variant is not present in population databases (gnomAD no frequency). This variant has not been reported in the literature in individuals affected with CACNA1C-related conditions. Advanced modeling of protein sequence and biophysical properties (such as structural, functional, and spatial information, amino acid conservation, physicochemical variation, residue mobility, and thermodynamic stability) has been performed at Invitae for this missense variant, however the output from this modeling did not meet the statistical confidence thresholds required to predict the impact of this variant on CACNA1C protein function. In summary, the available evidence is currently insufficient to determine the role of this variant in disease. Therefore, it has been classified as a Variant of Uncertain Significance.